The following is an entry in ClinVar:

NM_000350.3(ABCA4):c.5761G>A (p.Val1921Met)

Gene: ABCA4 (ATP binding cassette subfamily A member 4; minus strand). Cytogenetic location: 1p22.1.
Variant type: single nucleotide variant.
Coding change: c.5761G>A on transcript NM_000350.3 (MANE Select); coding-DNA position 5761, G replaced by A.
Protein change: p.Val1921Met; replaces valine 1921 with methionine.
Molecular consequence: missense variant.
Genome position (GRCh38, 1-based): chr1:94,008,825, C>T on the plus strand (G>A on the coding strand, the complement: ABCA4 is on the minus strand). VCF-style: chr1-94008825-C-T. GRCh37 (hg19) VCF-style: chr1-94474381-C-T.
Other names: c.5539G>A, p.Val1847Met (NM_001425324.1); short protein forms V1921M, V1847M.
Identifiers: ClinVar variation 99406 (VCV000099406.20), dbSNP rs61753032, ClinGen allele CA227341.

ClinVar aggregate classification (germline): Pathogenic/Likely pathogenic. Review status: criteria provided, multiple submitters, no conflicts (2 of 4 stars). 9 submissions from 9 submitters: Pathogenic (6); Likely pathogenic (2). 1 of the submissions does not count toward it. Last evaluated 2025-02-07.

Conditions:
ABCA4-related disorder. Also called: ABCA4-related disorders; ABCA4-related condition. Identifiers: MedGen CN239167.
Age related macular degeneration 2. Also called: MACULAR DEGENERATION, SENILE; MACULOPATHY, AGE-RELATED, 2; MACULOPATHY, AGE-RELATED. Identifiers: MedGen C3495438, MONDO:0007932, OMIM 153800.
Severe early-childhood-onset retinal dystrophy (STGD1). Also called: MACULAR DYSTROPHY WITH FLECKS, TYPE 1; STGD; Stargardt macular dystrophy; Juvenile onset macular degeneration; Stargardt disease 1. Identifiers: Orphanet 364055, Orphanet 827, MedGen C1855465, MeSH D000080362, MONDO:0009549, OMIM 248200.
Retinitis pigmentosa 19 (RP19). Also called: ABCA4-Related Retinitis Pigmentosa. Identifiers: Orphanet 791, MedGen C1866422, MONDO:0011137, OMIM 601718.
Cone-rod dystrophy 3 (CORD3). Identifiers: Orphanet 1872, MedGen C1858806, MONDO:0011395, OMIM 604116.

Allele frequency attached by ClinVar (database versions not stated): gnomAD exomes below 0.00001 and 0.00002; TOPMed below 0.00001; ExAC 0.00002; gnomAD 0.00003; 1000 Genomes Project 30x 0.00016; 1000 Genomes Project 0.00020.
gnomAD v4.1: 12 of 1,613,722 alleles (0.00074%); highest among the groups gnomAD compares: East Asian, 0.025%; no homozygotes.

Submissions (9):

PreventionGenetics, part of Exact Sciences
Classification: Pathogenic for ABCA4-related condition. Last evaluated: 2025-02-07. Review status: criteria provided, single submitter. Criteria: ACMG Guidelines, 2015. Collection method: clinical testing. Allele origin: germline.
Comment: The ABCA4 c.5761G>A variant is predicted to result in the amino acid substitution p.Val1921Met. This variant has been reported many times with a second ABCA4 variant in individuals with ABCA4-related retinal disease (see for examples: Table S5, Taylor et al. 2017. PubMed ID: 28341476; Table S2, Sung et al. 2020. PubMed ID: 33261146; Table S1, Lin et al. 2024. PubMed ID: 38219857). Alternate substitutions of this amino acid (p.Val1921Gly and p.Val1921Leu) have also been reported in individuals with retinal disease (Table S1, Jiang et al. 2016. PubMed ID: 26780318; Zhu et al. 2021. PubMed ID: 33732702). This variant is present in 0.030% of alleles in individuals of East Asian descent in gnomAD. This variant is interpreted as pathogenic.

SingHealth Duke-NUS Institute of Precision Medicine
Classification: Likely pathogenic for Severe early-childhood-onset retinal dystrophy. Last evaluated: 2025-02-05. Review status: criteria provided, single submitter. Criteria: PRISM ACMG Classification Criteria. Collection method: clinical testing. Allele origin: germline. Affected: yes.
Comment: Variant is located in a mutational hotspot where >50% of variants are pathogenic (PM1) + Other variant at this amino acid residue has been classified as pathogenic (PM5, p.Val1921Met). Homozygous allele count in gnomAD exomes and genomes are less than 0 (PM2). REVEL score is 0.866 (PP3_mod)

3billion
Classification: Pathogenic for Severe early-childhood-onset retinal dystrophy. Last evaluated: 2024-11-14. Review status: criteria provided, single submitter. Criteria: ACMG Guidelines, 2015. Collection method: clinical testing. Allele origin: germline. Affected: yes.
Comment: The variant is observed at an extremely low frequency in the gnomAD v4.1.0 dataset (total allele frequency: <0.001%). Predicted Consequence/Location: Missense variant In silico tool predictions suggest damaging effect of the variant on gene or gene product [REVEL: 0.87 (>=0.6, sensitivity 0.68 and specificity 0.92); 3Cnet: 0.97 (>=0.6, sensitivity 0.72 and precision 0.9)]. The same nucleotide change resulting in the same amino acid change has been previously reported as pathogenic/likely pathogenic with strong evidence (ClinVar ID: VCV000099406 /PMID: 14517951). The variant has been reported to be in trans with a pathogenic variant as either compound heterozygous or homozygous in at least one similarly affected unrelated individual (PMID: 32619608). A different missense change at the same codon (p.Val1921Gly) has been reported to be associated with ABCA4 related disorder (PMID: 26780318). Therefore, this variant is classified as Pathogenic according to the recommendation of ACMG/AMP guideline.

Blueprint Genetics
Classification: Pathogenic for ABCA4-related disorders. Last evaluated: 2024-09-18. Review status: criteria provided, single submitter. Criteria: ACMG Guidelines, 2015. Collection method: clinical testing. Allele origin: germline. Affected: yes. Observed: 5 variant alleles.

Division of Genetic & Genomic Pathology, Hong Kong Children's Hospital
Classification: Pathogenic for ABCA4-related disorder. Last evaluated: 2024-09-03. Review status: criteria provided, single submitter. Criteria: ACMG Guidelines, 2015. Collection method: clinical testing. Allele origin: germline. Affected: yes.
Comment: ABCA4 c.5761G>A p.(Val1921Met) is a missense variant located in exon 41 of the gene. The variant is only present in East Asians at a low frequency in control populations (gnomAD v4.1.0 East Asian: 11 in 44,868 alleles; total: 12 in 1,613,722 alleles; no homozygotes). It has been observed in multiple individual(s) with autosomal recessive macular dystrophy and/or Stargardt disease with another (likely) pathogenic variant (ClinVar accession: VCV000099406.12, PMID: 28341476, 33261146, 31543898, 36729443, 38219857). In-silico predictions suggest that this variant is deleterious (REVEL score 0.866). Therefore, this variant is classified as pathogenic. This variant is in trans with another missense pathogenic variant.

Labcorp Genetics (formerly Invitae), Labcorp
Classification: Pathogenic. Last evaluated: 2024-08-12. Review status: criteria provided, single submitter. Criteria: Invitae Variant Classification Sherloc (09022015). Collection method: clinical testing. Allele origin: germline.
Comment: This sequence change replaces valine, which is neutral and non-polar, with methionine, which is neutral and non-polar, at codon 1921 of the ABCA4 protein (p.Val1921Met). This variant is present in population databases (rs61753032, gnomAD 0.03%). This missense change has been observed in individual(s) with autosomal recessive macular dystrophy and/or Stargardt disease (PMID: 28341476, 32619608, 33261146). ClinVar contains an entry for this variant (Variation ID: 99406). Advanced modeling of protein sequence and biophysical properties (such as structural, functional, and spatial information, amino acid conservation, physicochemical variation, residue mobility, and thermodynamic stability) performed at Invitae indicates that this missense variant is expected to disrupt ABCA4 protein function with a positive predictive value of 95%. For these reasons, this variant has been classified as Pathogenic.

GeneDx
Classification: Likely pathogenic. Last evaluated: 2021-03-15. Review status: criteria provided, single submitter. Criteria: GeneDx Variant Classification Process June 2021. Collection method: clinical testing. Allele origin: germline. Affected: yes.
Comment: In silico analysis supports that this missense variant has a deleterious effect on protein structure/function; This variant is associated with the following publications: (PMID: 14517951, 28341476, 33261146, 23755871, 32845068, 32619608, 23591405, 28044389, 10958763)

Juno Genomics, Hangzhou Juno Genomics, Inc
Classification: Pathogenic for Age related macular degeneration 2; Cone-rod dystrophy 3; Severe early-childhood-onset retinal dystrophy; Retinitis pigmentosa 19. Review status: criteria provided, single submitter. Criteria: ACMG Guidelines, 2015. Collection method: clinical testing. Allele origin: germline.
Comment: Absent from controls (or at extremely low frequency if recessive) in Genome Aggregation Database.;Multiple lines of computational evidence support a deleterious effect on the gene or gene product.;For recessive disorders, detected in trans with a pathogenic variant.;Patient's phenotype or family history is highly specific for a disease with a single genetic etiology.

Retina International
No classification provided. Review status: no classification provided. Collection method: not provided. Allele origin: unknown. Not counted in ClinVar's aggregate classification.

Literature cited by the submitters: PubMed 26780318 (cited by 3billion); PubMed 32619608 (cited by 3billion and Labcorp Genetics (formerly Invitae), Labcorp); PubMed 14517951 (cited by 3billion); PubMed 28341476 (cited by Division of Genetic & Genomic Pathology, Hong Kong Children's Hospital and Labcorp Genetics (formerly Invitae), Labcorp); PubMed 33261146 (cited by Division of Genetic & Genomic Pathology, Hong Kong Children's Hospital and Labcorp Genetics (formerly Invitae), Labcorp); PubMed 31543898 (cited by Division of Genetic & Genomic Pathology, Hong Kong Children's Hospital); PubMed 36729443 (cited by Division of Genetic & Genomic Pathology, Hong Kong Children's Hospital); PubMed 38219857 (cited by Division of Genetic & Genomic Pathology, Hong Kong Children's Hospital).